The following is an entry in ClinVar:

NM_000268.4(NF2):c.599+3G>A

Gene: NF2 (NF2, moesin-ezrin-radixin like (MERLIN) tumor suppressor; plus strand). Cytogenetic location: 22q12.2.
Variant type: single nucleotide variant.
Coding change: c.599+3G>A on transcript NM_000268.4 (MANE Select); 3 bases into the intron after coding-DNA position 599, G replaced by A.
Molecular consequence: intron variant.
Genome position (GRCh38, 1-based): chr22:29,655,679, G>A. VCF-style: chr22-29655679-G-A. GRCh37 (hg19) VCF-style: chr22-30051668-G-A.
Other names: c.599+3G>A (NM_016418.5, NM_181832.3, NM_181825.3 and 1 more transcripts); c.447+13394G>A (NM_181833.3); c.476+3G>A (NM_181829.3); c.473+3G>A (NM_181828.3); c.350+3G>A (NM_181830.3, NM_181831.3).
Identifiers: ClinVar variation 527696 (VCV000527696.27), dbSNP rs768301915, ClinGen allele CA034135.

ClinVar aggregate classification (germline): Conflicting classifications of pathogenicity. Review status: criteria provided, conflicting classifications (1 of 4 stars). 9 submissions from 9 submitters: Uncertain significance (2); Benign (1); Likely benign (5). 1 of the submissions does not count toward it. Last evaluated 2026-01-17.

Conditions:
NF2-related disorder. Also called: NF2-related condition.
Neurofibromatosis, type 2 (SWNV). Also called: BILATERAL ACOUSTIC NEUROFIBROMATOSIS; NF2-Related Schwannomatosis; SCHWANNOMATOSIS, VESTIBULAR. Identifiers: Orphanet 637, MedGen C0027832, MONDO:0007039, OMIM 101000. Disease mechanism: loss of function.
Hereditary cancer-predisposing syndrome. Also called: Neoplastic Syndromes, Hereditary; Hereditary Cancer Syndrome; Tumor predisposition; Hereditary neoplastic syndrome. Identifiers: Orphanet 140162, MedGen C0027672, MeSH D009386, MONDO:0015356.

Allele frequency attached by ClinVar (database versions not stated): gnomAD 0.00002; gnomAD exomes 0.00003 and 0.00002; ExAC 0.00002; TOPMed 0.00002.
gnomAD v4.1: 43 of 1,610,142 alleles (0.0027%); highest among the groups gnomAD compares: Non-Finnish European, 0.0036%; no homozygotes.

Submissions (9):

Labcorp Genetics (formerly Invitae), Labcorp
Classification: Likely benign for Neurofibromatosis, type 2. Last evaluated: 2026-01-17. Review status: criteria provided, single submitter. Criteria: Invitae Variant Classification Sherloc (09022015). Collection method: clinical testing. Allele origin: germline.

Color Diagnostics, LLC DBA Color Health
Classification: Benign for Neurofibromatosis, type 2. Last evaluated: 2025-06-04. Review status: criteria provided, single submitter. Criteria: ACMG Guidelines, 2015. Collection method: clinical testing. Allele origin: germline.

Dasa
Classification: Uncertain significance. Last evaluated: 2025-04-25. Review status: criteria provided, single submitter. Criteria: DASA Assertion Criteria. Collection method: clinical testing. Allele origin: germline.
Comment: NM_000268.4(NF2):c.599+3G>A is a splice-region variant. This variant is rare in population databases. Computational prediction algorithms are consistent with a benign effect. The currently available literature and clinical evidence are not sufficient to establish a definitive association between this variant and the reported condition. Therefore, this variant is classified as a variant of uncertain significance.

Genome-Nilou Lab
Classification: Likely benign for Neurofibromatosis, type 2. Last evaluated: 2021-11-07. Review status: criteria provided, single submitter. Criteria: ACMG Guidelines, 2015. Collection method: clinical testing. Allele origin: germline. Affected: no.

Institute for Clinical Genetics, University Hospital TU Dresden, University Hospital TU Dresden
Classification: Uncertain significance. Last evaluated: 2021-11-03. Review status: criteria provided, single submitter. Criteria: ACMG Guidelines, 2015. Collection method: clinical testing. Allele origin: germline.

Sema4
Classification: Likely benign for Hereditary cancer-predisposing syndrome. Last evaluated: 2021-02-08. Review status: criteria provided, single submitter. Criteria: Sema4 Curation Guidelines. Collection method: curation. Allele origin: germline.

Ambry Genetics
Classification: Likely benign for Hereditary cancer-predisposing syndrome. Last evaluated: 2020-02-26. Review status: criteria provided, single submitter. Criteria: Ambry Variant Classification Scheme 2023. Collection method: clinical testing. Allele origin: germline.

Illumina Laboratory Services, Illumina
Classification: Likely benign for Neurofibromatosis, type 2. Last evaluated: 2018-01-12. Review status: criteria provided, single submitter. Criteria: ICSL Variant Classification Criteria 13 December 2019. Collection method: clinical testing. Allele origin: germline.
Comment: This variant was observed in the ICSL laboratory as part of a predisposition screen in an ostensibly healthy population. It had not been previously curated by ICSL or reported in the Human Gene Mutation Database (HGMD: prior to June 1st, 2018), and was therefore a candidate for classification through an automated scoring system. Utilizing variant allele frequency, disease prevalence and penetrance estimates, and inheritance mode, an automated score was calculated to assess if this variant is too frequent to cause the disease. Based on the score and internal cut-off values, a variant classified as likely benign is not then subjected to further curation. The score for this variant resulted in a classification of likely benign for this disease.

PreventionGenetics, part of Exact Sciences
Classification: Likely benign for NF2-related condition. Last evaluated: 2021-02-16. Review status: no assertion criteria provided. Collection method: clinical testing. Allele origin: germline. Not counted in ClinVar's aggregate classification.
Comment: This variant is classified as likely benign based on ACMG/AMP sequence variant interpretation guidelines (Richards et al. 2015 PMID: 25741868, with internal and published modifications).